The following is an entry in ClinVar:

ClinVar aggregate classification (germline): Uncertain significance. Review status: criteria provided, multiple submitters, no conflicts (2 of 4 stars). 2 submissions from 2 submitters: Uncertain significance (2). Last evaluated 2020-05-13.

Conditions:
Cardiovascular phenotype. Identifiers: MedGen CN230736.
Arrhythmogenic right ventricular dysplasia 11. Also called: ARRHYTHMOGENIC RIGHT VENTRICULAR DYSPLASIA, FAMILIAL, 11; Arrhythmogenic Right Ventricular Dysplasia/Cardiomyopathy11; Arrhythmogenic right ventricular dysplasia 11 with mild palmoplantar keratoderma and woolly hair. Identifiers: MedGen C1864850, MONDO:0012506, OMIM 610476.

Allele frequency attached by ClinVar (database versions not stated): TOPMed 0.00001.

Submissions (2):

Ambry Genetics
Classification: Uncertain significance for Cardiovascular phenotype. Last evaluated: 2020-05-13. Review status: criteria provided, single submitter. Criteria: Ambry Variant Classification Scheme 2023. Collection method: clinical testing. Allele origin: germline.
Comment: The p.N103K variant (also known as c.309C>A), located in coding exon 3 of the DSC2 gene, results from a C to A substitution at nucleotide position 309. The asparagine at codon 103 is replaced by lysine, an amino acid with similar properties. This amino acid position is poorly conserved in available vertebrate species. In addition, this alteration is predicted to be tolerated by in silico analysis. Since supporting evidence is limited at this time, the clinical significance of this alteration remains unclear.

Labcorp Genetics (formerly Invitae), Labcorp
Classification: Uncertain significance for Arrhythmogenic right ventricular dysplasia 11. Last evaluated: 2019-03-05. Review status: criteria provided, single submitter. Criteria: Invitae Variant Classification Sherloc (09022015). Collection method: clinical testing. Allele origin: germline.
Comment: In summary, the available evidence is currently insufficient to determine the role of this variant in disease. Therefore, it has been classified as a Variant of Uncertain Significance. Algorithms developed to predict the effect of missense changes on protein structure and function output the following: SIFT: "Tolerated"; PolyPhen-2: "Benign"; Align-GVGD: "Class C0". The lysine amino acid residue is found in multiple mammalian species, suggesting that this missense change does not adversely affect protein function. These predictions have not been confirmed by published functional studies and their clinical significance is uncertain. This variant has not been reported in the literature in individuals with DSC2-related conditions. This variant is not present in population databases (ExAC no frequency). This sequence change replaces asparagine with lysine at codon 103 of the DSC2 protein (p.Asn103Lys). The asparagine residue is weakly conserved and there is a moderate physicochemical difference between asparagine and lysine.

NM_024422.6(DSC2):c.309C>A (p.Asn103Lys)

Gene: DSC2 (desmocollin 2; minus strand). Cytogenetic location: 18q12.1.
Variant type: single nucleotide variant.
Coding change: c.309C>A on transcript NM_024422.6 (MANE Select); coding-DNA position 309, C replaced by A.
Protein change: p.Asn103Lys; replaces asparagine 103 with lysine.
Molecular consequence: missense variant.
Genome position (GRCh38, 1-based): chr18:31,092,146, G>T on the plus strand (C>A on the coding strand, the complement: DSC2 is on the minus strand). VCF-style: chr18-31092146-G-T. GRCh37 (hg19) VCF-style: chr18-28672109-G-T.
Other names: c.309C>A, p.Asn103Lys (NM_004949.5); short protein forms N103K.
Identifiers: ClinVar variation 853101 (VCV000853101.11), dbSNP rs1484070582, ClinGen allele CA402114661.